The following is an entry in ClinVar:

ClinVar aggregate classification (germline): Uncertain significance. Review status: criteria provided, multiple submitters, no conflicts (2 of 4 stars). 4 submissions from 4 submitters: Uncertain significance (4). Last evaluated 2025-11-06.

Conditions:
Inborn genetic diseases. Identifiers: MedGen C0950123, MeSH D030342.
Pierson syndrome. Also called: MICROCORIA-CONGENITAL NEPHROTIC SYNDROME. Identifiers: Orphanet 2670, MedGen C1836876, MONDO:0012184, OMIM 609049.
LAMB2-related infantile-onset nephrotic syndrome. Also called: NEPHROTIC SYNDROME, TYPE 5, WITHOUT OCULAR ABNORMALITIES; NEPHROTIC SYNDROME, TYPE 5, WITH OCULAR ABNORMALITIES; Nephrotic Syndrome, type 5. Identifiers: Orphanet 306507, MedGen C3280113, MONDO:0013621, OMIM 614199.

Allele frequency attached by ClinVar (database versions not stated): gnomAD exomes below 0.00001.
gnomAD v4.1: 5 of 1,613,710 alleles (0.00031%); highest among the groups gnomAD compares: African/African-American, 0.0013%; no homozygotes.

Submissions (4):

Labcorp Genetics (formerly Invitae), Labcorp
Classification: Uncertain significance for LAMB2-related infantile-onset nephrotic syndrome; Pierson syndrome. Last evaluated: 2025-11-06. Review status: criteria provided, single submitter. Criteria: Invitae Variant Classification Sherloc (09022015). Collection method: clinical testing. Allele origin: germline.
Comment: This sequence change replaces arginine, which is basic and polar, with cysteine, which is neutral and slightly polar, at codon 464 of the LAMB2 protein (p.Arg464Cys). This variant is not present in population databases (gnomAD no frequency). This variant has not been reported in the literature in individuals affected with LAMB2-related conditions. ClinVar contains an entry for this variant (Variation ID: 2433390). An algorithm developed to predict the effect of missense changes on protein structure and function (PolyPhen-2) suggests that this variant is likely to be tolerated. In summary, the available evidence is currently insufficient to determine the role of this variant in disease. Therefore, it has been classified as a Variant of Uncertain Significance.

Ambry Genetics
Classification: Uncertain significance for Inborn genetic diseases. Last evaluated: 2025-08-31. Review status: criteria provided, single submitter. Criteria: Ambry Variant Classification Scheme 2023. Collection method: clinical testing. Allele origin: germline.

Revvity Omics, Revvity
Classification: Uncertain significance. Last evaluated: 2022-07-08. Review status: criteria provided, single submitter. Criteria: ACMG Guidelines, 2015. Collection method: clinical testing. Allele origin: germline.

Blueprint Genetics
Classification: Uncertain significance. Last evaluated: 2020-01-09. Review status: criteria provided, single submitter. Criteria: ACMG Guidelines, 2015. Collection method: clinical testing. Allele origin: germline.

NM_002292.4(LAMB2):c.1390C>T (p.Arg464Cys)

Gene: LAMB2 (laminin subunit beta 2; minus strand). Cytogenetic location: 3p21.31.
Variant type: single nucleotide variant.
Coding change: c.1390C>T on transcript NM_002292.4 (MANE Select); coding-DNA position 1390, C replaced by T.
Protein change: p.Arg464Cys; replaces arginine 464 with cysteine.
Molecular consequence: missense variant.
Genome position (GRCh38, 1-based): chr3:49,129,854, G>A on the plus strand (C>T on the coding strand, the complement: LAMB2 is on the minus strand). VCF-style: chr3-49129854-G-A. GRCh37 (hg19) VCF-style: chr3-49167287-G-A.
Other names: c.1390C>T (NM_002292.3); short protein forms R464C.
Identifiers: ClinVar variation 2433390 (VCV002433390.6), dbSNP rs555820356, ClinGen allele CA74486908.